The following is an entry in ClinVar:

NM_000135.4(FANCA):c.171_172insT (p.Asn58Ter)

Gene: FANCA (FA complementation group A; minus strand). Cytogenetic location: 16q24.3.
Variant type: Insertion.
Coding change: c.171_172insT on transcript NM_000135.4 (MANE Select); coding-DNA positions 171 to 172, T inserted.
Protein change: p.Asn58Ter; replaces asparagine 58 with a stop codon.
Molecular consequence: nonsense.
Genome position: GRCh38 VCF-style: chr16-89815894-T-TA. GRCh37 (hg19) VCF-style: chr16-89882302-T-TA.
Other names: c.171_172insT, p.Asn58Ter (NM_001018112.3, NM_001286167.3, NM_001351830.2); short protein forms N58*.
Identifiers: ClinVar variation 974283 (VCV000974283.4), dbSNP rs2041096125, ClinGen allele CA1139664997.

ClinVar aggregate classification (germline): Pathogenic. Review status: criteria provided, single submitter (1 of 4 stars). 2 submissions from 2 submitters: Pathogenic (1). 1 of the submissions does not count toward it. Last evaluated 2022-10-30.

Conditions:
Fanconi anemia (FA). Also called: Fanconi's anemia. Identifiers: Orphanet 84, MedGen C0015625, MeSH D005199, MONDO:0019391.
Fanconi anemia complementation group A (FANCA). Also called: Fanconi anemia, group A; FANCA-Related Fanconi Anemia. Identifiers: Orphanet 84, MedGen C3469521, MONDO:0009215, OMIM 227650.

Submissions (2):

Labcorp Genetics (formerly Invitae), Labcorp
Classification: Pathogenic for Fanconi anemia. Last evaluated: 2022-10-30. Review status: criteria provided, single submitter. Criteria: Invitae Variant Classification Sherloc (09022015). Collection method: clinical testing. Allele origin: germline.
Comment: This variant has not been reported in the literature in individuals affected with FANCA-related conditions. ClinVar contains an entry for this variant (Variation ID: 974283). For these reasons, this variant has been classified as Pathogenic. This variant is not present in population databases (gnomAD no frequency). This sequence change creates a premature translational stop signal (p.Asn58*) in the FANCA gene. It is expected to result in an absent or disrupted protein product. Loss-of-function variants in FANCA are known to be pathogenic (PMID: 19367192).

Leiden Open Variation Database
Classification: Pathogenic for Fanconi anemia complementation group A. Last evaluated: 2020-02-28. Review status: no assertion criteria provided. Collection method: curation. Allele origin: germline. Affected: yes. Not counted in ClinVar's aggregate classification.
Comment: Curator: Arleen D. Auerbach. Submitter to LOVD: Arleen D. Auerbach.

Literature cited by the submitters: PubMed 19367192 (cited by Labcorp Genetics (formerly Invitae), Labcorp).